The following is an entry in ClinVar:

NM_002439.5(MSH3):c.2372A>C (p.His791Pro)

Gene: MSH3 (mutS homolog 3; plus strand). Cytogenetic location: 5q14.1.
Variant type: single nucleotide variant.
Coding change: c.2372A>C on transcript NM_002439.5 (MANE Select); coding-DNA position 2372, A replaced by C.
Protein change: p.His791Pro; replaces histidine 791 with proline.
Molecular consequence: missense variant.
Genome position (GRCh38, 1-based): chr5:80,778,773, A>C. VCF-style: chr5-80778773-A-C. GRCh37 (hg19) VCF-style: chr5-80074592-A-C.
Other names: short protein forms H791P.
Identifiers: ClinVar variation 5024793 (VCV005024793.1).

ClinVar aggregate classification (germline): Uncertain significance (1 of 4 stars; one submission).

Conditions:
Hereditary cancer-predisposing syndrome. Also called: Neoplastic Syndromes, Hereditary; Tumor predisposition; Hereditary neoplastic syndrome; Hereditary Cancer Syndrome. Identifiers: Orphanet 140162, MedGen C0027672, MeSH D009386, MONDO:0015356.

Submission:

Ambry Genetics
Classification: Uncertain significance for Hereditary cancer-predisposing syndrome. Last evaluated: 2026-07-07. Review status: criteria provided, single submitter. Criteria: Ambry Variant Classification Scheme 2023. Collection method: clinical testing. Allele origin: germline.
Comment: The p.H791P variant (also known as c.2372A>C), located in coding exon 17 of the MSH3 gene, results from an A to C substitution at nucleotide position 2372. The histidine at codon 791 is replaced by proline, an amino acid with similar properties. This amino acid position is conserved. In addition, the in silico prediction for this alteration is inconclusive. Based on the available evidence, the clinical significance of this variant remains unclear.